The following is an entry in ClinVar:

ClinVar aggregate classification (germline): Conflicting classifications of pathogenicity. Review status: criteria provided, conflicting classifications (1 of 4 stars). 2 submissions from 2 submitters: Uncertain significance (1); Likely benign (1). Last evaluated 2024-08-07.

Conditions:
Inborn genetic diseases. Identifiers: MedGen C0950123, MeSH D030342.

Allele frequency attached by ClinVar (database versions not stated): gnomAD exomes 0.00002; ExAC 0.00003; ESP Exome Variant Server 0.00008; TOPMed 0.00009; gnomAD 0.00010; 1000 Genomes Project 30x 0.00016; 1000 Genomes Project 0.00020.

Submissions (2):

Ambry Genetics
Classification: Likely benign for Inborn genetic diseases. Last evaluated: 2024-08-07. Review status: criteria provided, single submitter. Criteria: Ambry Variant Classification Scheme 2023. Collection method: clinical testing. Allele origin: germline.

GeneDx
Classification: Uncertain significance. Last evaluated: 2022-11-15. Review status: criteria provided, single submitter. Criteria: GeneDx Variant Classification Process June 2021. Collection method: clinical testing. Allele origin: germline. Affected: yes.
Comment: In silico analysis supports that this missense variant does not alter protein structure/function; Has not been previously published as pathogenic or benign to our knowledge

NM_001009944.3(PKD1):c.4823A>G (p.Asn1608Ser)

Gene: PKD1 (polycystin 1, transient receptor potential channel interacting; minus strand). Cytogenetic location: 16p13.3.
Variant type: single nucleotide variant.
Coding change: c.4823A>G on transcript NM_001009944.3 (MANE Select); coding-DNA position 4823, A replaced by G.
Protein change: p.Asn1608Ser; replaces asparagine 1608 with serine.
Molecular consequence: missense variant.
Genome position (GRCh38, 1-based): chr16:2,110,344, T>C on the plus strand (A>G on the coding strand, the complement: PKD1 is on the minus strand). VCF-style: chr16-2110344-T-C. GRCh37 (hg19) VCF-style: chr16-2160345-T-C.
Other names: c.4823A>G, p.Asn1608Ser (NM_000296.4); c.4823A>G (NM_000296.3); short protein forms N1608S.
Identifiers: ClinVar variation 2501929 (VCV002501929.2), dbSNP rs370634315, ClinGen allele CA7832235.
Genomic context (GRCh38, chr16:2,110,344, plus strand): 5'-ACATAGACGAAGATGCTGTCCTGGGCGGAGCCCACCTCGTTCTCAGCCGTGACGATGATA[T>C]TGAAGGTGCCCACGGAGCGGAAGGTGTAAGAGATGGTAGGACCCCCAGGGATGGGCGTGC-3'
Protein context (NP_001009944.3, residues 1598-1618): SYTFRSVGTF[Asn1608Ser]IIVTAENEVG